The following is an entry in ClinVar:

NM_005982.4(SIX1):c.175C>T (p.His59Tyr)

Gene: SIX1 (SIX homeobox 1; minus strand). Cytogenetic location: 14q23.1.
Variant type: single nucleotide variant.
Coding change: c.175C>T on transcript NM_005982.4 (MANE Select); coding-DNA position 175, C replaced by T.
Protein change: p.His59Tyr; replaces histidine 59 with tyrosine.
Molecular consequence: missense variant.
Genome position (GRCh38, 1-based): chr14:60,649,015, G>A on the plus strand (C>T on the coding strand, the complement: SIX1 is on the minus strand). VCF-style: chr14-60649015-G-A. GRCh37 (hg19) VCF-style: chr14-61115733-G-A.
Other names: DFNA23; c.175C>T, p.His59Tyr (NM_001425142.1); short protein forms H59Y.
Identifiers: ClinVar variation 3393404 (VCV003393404.1).

ClinVar aggregate classification (germline): Uncertain significance (1 of 4 stars; one submission).

Conditions:
Autosomal dominant nonsyndromic hearing loss 23. Identifiers: Orphanet 90635, MedGen C1854594, MONDO:0011519, OMIM 605192.

gnomAD v4.1: 2 of 1,613,930 alleles (0.00012%); highest among the groups gnomAD compares: South Asian, 0.0011%; no homozygotes.

Submission:

Laboratory of Prof. Karen Avraham, Tel Aviv University
Classification: Uncertain significance for Autosomal dominant nonsyndromic hearing loss 23. Last evaluated: 2024-12-26. Review status: criteria provided, single submitter. Criteria: ACMG Guidelines, 2015. Collection method: research. Allele origin: germline. Affected: yes. Observed: 1 variant allele.
Comment: The SIX1 c.175C>T:p.(His59Tyr) heterozygous variant is extremely rare and predicted deleterious.